The following is an entry in ClinVar:

NM_144999.4(LRRC45):c.590C>T (p.Pro197Leu)

Gene: LRRC45 (leucine rich repeat containing 45; plus strand). Cytogenetic location: 17q25.3.
Variant type: single nucleotide variant.
Coding change: c.590C>T on transcript NM_144999.4 (MANE Select); coding-DNA position 590, C replaced by T.
Protein change: p.Pro197Leu; replaces proline 197 with leucine.
Molecular consequence: missense variant.
Genome position (GRCh38, 1-based): chr17:82,025,436, C>T. VCF-style: chr17-82025436-C-T. GRCh37 (hg19) VCF-style: chr17-79983312-C-T.
Other names: c.590C>T (NM_144999.3); short protein forms P197L.
Identifiers: ClinVar variation 3120738 (VCV003120738.2), dbSNP rs770236468, ClinGen allele CA295131141.

ClinVar aggregate classification (germline): Uncertain significance. Review status: criteria provided, multiple submitters, no conflicts (2 of 4 stars). 2 submissions from 2 submitters: Uncertain significance (2). Last evaluated 2024-10-30.

Conditions:
LRRC45-related disorder. Also called: LRRC45-related condition.

Allele frequency attached by ClinVar (database versions not stated): gnomAD 0.00001; TOPMed 0.00004.
gnomAD v4.1: 4 of 1,608,810 alleles (0.00025%); highest among the groups gnomAD compares: Admixed American, 0.0017%; no homozygotes.

Submissions (2):

PreventionGenetics, part of Exact Sciences
Classification: Uncertain significance for LRRC45-related condition. Last evaluated: 2024-10-30. Review status: criteria provided, single submitter. Criteria: ACMG Guidelines, 2015. Collection method: clinical testing. Allele origin: germline.
Comment: The LRRC45 c.590C>T variant is predicted to result in the amino acid substitution p.Pro197Leu. To our knowledge, this variant has not been reported in the literature or in a large population database (gnomAD), indicating this variant is rare. At this time, the clinical significance of this variant is uncertain due to the absence of conclusive functional and genetic evidence.

Ambry Genetics
Classification: Uncertain significance. Last evaluated: 2023-11-14. Review status: criteria provided, single submitter. Criteria: Ambry Variant Classification Scheme 2023. Collection method: clinical testing. Allele origin: germline.